The following is an entry in ClinVar:

ClinVar aggregate classification (germline): Conflicting classifications of pathogenicity. Review status: criteria provided, conflicting classifications (1 of 4 stars). 5 submissions from 5 submitters: Likely pathogenic (4); Uncertain significance (1). Last evaluated 2025-06-18.

Conditions:
Cardiovascular phenotype. Identifiers: MedGen CN230736.
Dilated cardiomyopathy 1G (CMD1G). Identifiers: Orphanet 154, MedGen C1858763, MONDO:0011400, OMIM 604145.
Autosomal recessive limb-girdle muscular dystrophy type 2J (LGMDR10). Also called: MUSCULAR DYSTROPHY, LIMB-GIRDLE, AUTOSOMAL RECESSIVE 10; Limb-girdle muscular dystrophy, type 2J. Identifiers: Orphanet 140922, MedGen C1837342, MONDO:0012127, OMIM 608807.
Cardiomyopathy (CMYO). Also called: Cardiomyopathies. Identifiers: Orphanet 167848, MedGen C0878544, MONDO:0004994, HP:0001638. Inheritance: Various modes of inheritance.

Allele frequency attached by ClinVar (database versions not stated): gnomAD exomes below 0.00001; ExAC 0.00001.
gnomAD v4.1: 2 of 1,614,066 alleles (0.00012%); highest among the groups gnomAD compares: Non-Finnish European, 0.00017%; no homozygotes.

Submissions (5):

Labcorp Genetics (formerly Invitae), Labcorp
Classification: Likely pathogenic for Dilated cardiomyopathy 1G; Autosomal recessive limb-girdle muscular dystrophy type 2J. Last evaluated: 2025-06-18. Review status: criteria provided, single submitter. Criteria: Invitae Variant Classification Sherloc (09022015). Collection method: clinical testing. Allele origin: germline.
Comment: This sequence change creates a premature translational stop signal (p.Arg220*) in the TTN gene. While this is not anticipated to result in nonsense mediated decay, it is expected to create a truncated TTN protein. This variant is present in population databases (rs748313513, gnomAD 0.0009%). This variant has not been reported in the literature in individuals affected with TTN-related conditions. ClinVar contains an entry for this variant (Variation ID: 202433). This variant is located in the Z band of TTN (PMID: 25589632). Truncating variants in this region have been reported in individuals affected with autosomal recessive centronuclear myopathy (PMID: 33449170, internal data). Truncating variants in this region have also been identified in individuals affected with autosomal dominant dilated cardiomyopathy and/or cardio-related conditions (PMID: 27869827, 32964742, internal data). In summary, the currently available evidence indicates that the variant is pathogenic, but additional data are needed to prove that conclusively. Therefore, this variant has been classified as Likely Pathogenic.

GeneDx
Classification: Uncertain significance. Last evaluated: 2025-05-27. Review status: criteria provided, single submitter. Criteria: GeneDx Variant Classification Process June 2021. Collection method: clinical testing. Allele origin: germline. Affected: yes.
Comment: Not observed at significant frequency in large population cohorts (gnomAD); Nonsense variant predicted to result in protein truncation or nonsense mediated decay in a gene or region of a gene for which loss of function is not a well-established mechanism of disease; Has not been previously published as pathogenic or benign to our knowledge

Ambry Genetics
Classification: Likely pathogenic for Cardiovascular phenotype. Last evaluated: 2025-02-21. Review status: criteria provided, single submitter. Criteria: Ambry Variant Classification Scheme 2023. Collection method: clinical testing. Allele origin: germline.
Comment: The p.R220* variant (also known as c.658C>T), located in coding exon 4 of the TTN gene, results from a C to T substitution at nucleotide position 658. This changes the amino acid from an arginine to a stop codon within coding exon 4. This exon is located in the Z-disk region of the N2-B isoform of the titin protein and is constitutively expressed in TTN transcripts (percent spliced in or PSI 100%). This variant was reported in individual(s) with features consistent with dilated cardiomyopathy (DCM) (Ambry internal data). This variant is considered to be rare based on population cohorts in the Genome Aggregation Database (gnomAD). This variant is expected to result in loss of function by premature protein truncation or nonsense-mediated mRNA decay. While truncating variants in TTN are present in 1-3% of the general population, truncating variants in the A-band are the most common cause of dilated cardiomyopathy (Herman DS et al. N. Engl. J. Med., 2012 Feb;366:619-28; Roberts AM et al. Sci Transl Med, 2015 Jan;7:270ra6). TTN truncating variants encoded in constitutive exons (PSI >90%) have been found to be significantly associated with DCM regardless of their position in titin (Schafer S et al. Nat. Genet., 2017 01;49:46-53; Akhtar MM et al. Circ Heart Fail, 2020 Oct;13:e006832; Massier M et al. Clin Genet, 2025 Jan). Based on the majority of available evidence to date, this variant is likely to be pathogenic.

Clinical Genetics Laboratory, Skane University Hospital Lund
Classification: Likely pathogenic. Last evaluated: 2023-10-26. Review status: criteria provided, single submitter. Criteria: ACMG Guidelines, 2015. Collection method: clinical testing. Allele origin: germline. Affected: yes.

CHEO Genetics Diagnostic Laboratory, Children's Hospital of Eastern Ontario
Classification: Likely pathogenic for Cardiomyopathy. Last evaluated: 2022-10-04. Review status: criteria provided, single submitter. Criteria: ACMG Guidelines, 2015. Collection method: clinical testing. Allele origin: germline.

Literature cited by the submitters: PubMed 25589632 (cited by Labcorp Genetics (formerly Invitae), Labcorp); PubMed 33449170 (cited by Labcorp Genetics (formerly Invitae), Labcorp); PubMed 27869827 (cited by Labcorp Genetics (formerly Invitae), Labcorp); PubMed 32964742 (cited by Labcorp Genetics (formerly Invitae), Labcorp).

NM_001267550.2(TTN):c.658C>T (p.Arg220Ter)

Gene: TTN (titin; minus strand). Cytogenetic location: 2q31.2.
Variant type: single nucleotide variant.
Coding change: c.658C>T on transcript NM_001267550.2 (MANE Select); coding-DNA position 658, C replaced by T.
Protein change: p.Arg220Ter; replaces arginine 220 with a stop codon.
Molecular consequence: nonsense.
Genome position (GRCh38, 1-based): chr2:178,799,836, G>A on the plus strand (C>T on the coding strand, the complement: TTN is on the minus strand). VCF-style: chr2-178799836-G-A. GRCh37 (hg19) VCF-style: chr2-179664563-G-A.
Other names: p.R220*:CGA>TGA; c.658C>T, p.Arg220Ter (NM_003319.4, NM_133378.4, NM_133379.5 and 3 more transcripts); short protein forms R220*.
Identifiers: ClinVar variation 202433 (VCV000202433.17), dbSNP rs748313513, ClinGen allele CA309386.